The following is an entry in ClinVar:

ClinVar aggregate classification (germline): Uncertain significance. Review status: criteria provided, multiple submitters, no conflicts (2 of 4 stars). 2 submissions from 2 submitters: Uncertain significance (2). Last evaluated 2024-10-28.

Conditions:
Spondyloenchondrodysplasia with immune dysregulation (SPENCDI). Also called: SPONDYLOENCHONDRODYSPLASIA WITH OR WITHOUT IMMUNE DYSREGULATION; ROIFMAN IMMUNOSKELETAL SYNDROME; COMBINED IMMUNODEFICIENCY WITH AUTOIMMUNITY AND SPONDYLOMETAPHYSEAL DYSPLASIA. Identifiers: Orphanet 1855, MedGen C1842763, MONDO:0011939, OMIM 607944.
Inborn genetic diseases. Identifiers: MedGen C0950123, MeSH D030342.

Allele frequency attached by ClinVar (database versions not stated): gnomAD exomes 0.00001 and 0.00002; ExAC 0.00002; TOPMed 0.00002; gnomAD 0.00003; 1000 Genomes Project 30x 0.00016; 1000 Genomes Project 0.00020.

Submissions (2):

Labcorp Genetics (formerly Invitae), Labcorp
Classification: Uncertain significance for Spondyloenchondrodysplasia with immune dysregulation. Last evaluated: 2024-10-28. Review status: criteria provided, single submitter. Criteria: Invitae Variant Classification Sherloc (09022015). Collection method: clinical testing. Allele origin: germline.
Comment: This sequence change replaces aspartic acid, which is acidic and polar, with asparagine, which is neutral and polar, at codon 80 of the ACP5 protein (p.Asp80Asn). This variant is present in population databases (rs528748445, gnomAD 0.01%). This variant has not been reported in the literature in individuals affected with ACP5-related conditions. ClinVar contains an entry for this variant (Variation ID: 566480). Invitae Evidence Modeling of protein sequence and biophysical properties (such as structural, functional, and spatial information, amino acid conservation, physicochemical variation, residue mobility, and thermodynamic stability) indicates that this missense variant is not expected to disrupt ACP5 protein function with a negative predictive value of 95%. In summary, the available evidence is currently insufficient to determine the role of this variant in disease. Therefore, it has been classified as a Variant of Uncertain Significance.

Ambry Genetics
Classification: Uncertain significance for Inborn genetic diseases. Last evaluated: 2022-07-25. Review status: criteria provided, single submitter. Criteria: Ambry Variant Classification Scheme 2023. Collection method: clinical testing. Allele origin: germline.

NM_001611.5(ACP5):c.238G>A (p.Asp80Asn)

Gene: ACP5 (acid phosphatase 5, tartrate resistant; minus strand). Cytogenetic location: 19p13.2.
Variant type: single nucleotide variant.
Coding change: c.238G>A on transcript NM_001611.5 (MANE Select); coding-DNA position 238, G replaced by A.
Protein change: p.Asp80Asn; replaces aspartic acid 80 with asparagine.
Molecular consequence: missense variant.
Genome position (GRCh38, 1-based): chr19:11,577,080, C>T on the plus strand (G>A on the coding strand, the complement: ACP5 is on the minus strand). VCF-style: chr19-11577080-C-T. GRCh37 (hg19) VCF-style: chr19-11687895-C-T.
Other names: c.238G>A, p.Asp80Asn (LRG_1218t1, NM_001111034.3, NM_001111035.3 and 2 more transcripts); c.238G>A (NM_001111035.1); short protein forms D80N.
Identifiers: ClinVar variation 566480 (VCV000566480.8), dbSNP rs528748445, ClinGen allele CA9215505.
Genomic context (GRCh38, chr19:11,577,080, plus strand): 5'-CGCCCCCACCTCCTGCCCCACTCTGTTGGGCACAGACCTGGAACCTCTTGTCATTGATGT[C>T]TTGCACACCAGTGAAGTAAAAATTGTCCCCTAGAGACAGGATGAAGTCTGCACCCAGGAT-3'
Protein context (NP_001602.1, residues 70-90): GDNFYFTGVQ[Asp80Asn]INDKRFQETF